The following is an entry in ClinVar:

ClinVar aggregate classification (germline): Uncertain significance. Review status: criteria provided, multiple submitters, no conflicts (2 of 4 stars). 6 submissions from 6 submitters: Uncertain significance (5). 1 of the submissions does not count toward it. Last evaluated 2026-05-08.

Conditions:
Retinal dystrophy. Also called: Inherited retinal dystrophy. Identifiers: Orphanet 71862, MedGen C0854723, MeSH D058499, MONDO:0019118, HP:0000556.
Leber congenital amaurosis 15 (LCA15). Identifiers: Orphanet 65, MedGen C3151206, MONDO:0013457, OMIM 613843.
TULP1-related disorder. Also called: TULP1-related condition; TULP1-related disorders.

Allele frequency attached by ClinVar (database versions not stated): ESP Exome Variant Server 0.00015; 1000 Genomes Project 30x 0.00016; 1000 Genomes Project 0.00020; TOPMed 0.00024; gnomAD exomes 0.00028; ExAC 0.00029.
gnomAD v4.1: 589 of 1,613,462 alleles (0.037%); highest among the groups gnomAD compares: Non-Finnish European, 0.046%; no homozygotes.

Submissions (6):

PreventionGenetics, part of Exact Sciences
Classification: Uncertain significance for TULP1-related condition. Last evaluated: 2026-05-08. Review status: criteria provided, single submitter. Criteria: ACMG Guidelines, 2015. Collection method: clinical testing. Allele origin: germline.
Comment: The TULP1 c.901C>G variant is predicted to result in the amino acid substitution p.Gln301Glu. To our knowledge, this variant has not been reported in the literature. This variant is reported in 0.044% of alleles in individuals of European (Non-Finnish) descent in gnomAD. At this time, the clinical significance of this variant is uncertain due to the absence of conclusive functional and genetic evidence.

Blueprint Genetics
Classification: Uncertain significance. Last evaluated: 2024-09-11. Review status: criteria provided, single submitter. Criteria: ACMG Guidelines, 2015. Collection method: clinical testing. Allele origin: germline.

Labcorp Genetics (formerly Invitae), Labcorp
Classification: Uncertain significance. Last evaluated: 2022-07-12. Review status: criteria provided, single submitter. Criteria: Invitae Variant Classification Sherloc (09022015). Collection method: clinical testing. Allele origin: germline.
Comment: This sequence change replaces glutamine, which is neutral and polar, with glutamic acid, which is acidic and polar, at codon 301 of the TULP1 protein (p.Gln301Glu). This variant is present in population databases (rs201070350, gnomAD 0.04%). This variant has not been reported in the literature in individuals affected with TULP1-related conditions. ClinVar contains an entry for this variant (Variation ID: 904455). Algorithms developed to predict the effect of missense changes on protein structure and function are either unavailable or do not agree on the potential impact of this missense change (SIFT: "Not Available"; PolyPhen-2: "Benign"; Align-GVGD: "Not Available"). In summary, the available evidence is currently insufficient to determine the role of this variant in disease. Therefore, it has been classified as a Variant of Uncertain Significance.

Illumina Laboratory Services, Illumina
Classification: Uncertain significance for Leber congenital amaurosis 15. Last evaluated: 2017-04-27. Review status: criteria provided, single submitter. Criteria: ICSL Variant Classification Criteria 13 December 2019. Collection method: clinical testing. Allele origin: germline.
Comment: This variant was observed as part of a predisposition screen in an ostensibly healthy population. A literature search was performed for the gene, cDNA change, and amino acid change (where applicable). Publications were found based on this search. However, the evidence from the literature, in combination with allele frequency data from public databases where available, was not sufficient to rule this variant in or out of causing disease. Therefore, this variant is classified as a variant of unknown significance.

Breakthrough Genomics
Classification: Uncertain significance. Review status: criteria provided, single submitter. Criteria: ACMG Guidelines, 2015. Collection method: not provided. Allele origin: germline. Inheritance: Autosomal recessive inheritance. Affected: yes.

Institute of Human Genetics, Univ. Regensburg, Univ. Regensburg
Classification: Uncertain significance for Retinal dystrophy. Last evaluated: 2022-01-01. Review status: no assertion criteria provided. Criteria: ACMG Guidelines, 2015. Collection method: clinical testing. Allele origin: germline. Affected: yes. Not counted in ClinVar's aggregate classification.

Literature cited by the submitters: PubMed 18936139 (cited by Illumina Laboratory Services, Illumina).

NM_003322.6(TULP1):c.901C>G (p.Gln301Glu)

Gene: TULP1 (TUB like protein 1; minus strand). Cytogenetic location: 6p21.31.
Variant type: single nucleotide variant.
Coding change: c.901C>G on transcript NM_003322.6 (MANE Select); coding-DNA position 901, C replaced by G.
Protein change: p.Gln301Glu; replaces glutamine 301 with glutamic acid.
Molecular consequence: missense variant.
Genome position (GRCh38, 1-based): chr6:35,506,101, G>C on the plus strand (C>G on the coding strand, the complement: TULP1 is on the minus strand). VCF-style: chr6-35506101-G-C. GRCh37 (hg19) VCF-style: chr6-35473878-G-C.
Other names: c.901C>G (NM_003322.5); c.742C>G, p.Gln248Glu (NM_001289395.2); short protein forms Q248E, Q301E.
Identifiers: ClinVar variation 904455 (VCV000904455.11), dbSNP rs201070350, ClinGen allele CA3772747.